The following is an entry in ClinVar:

NM_001365999.1(SZT2):c.4610_4611del (p.Val1537fs)

Gene: SZT2 (SZT2 subunit of KICSTOR complex; plus strand). Cytogenetic location: 1p34.2.
Variant type: Microsatellite.
Coding change: c.4610_4611del on transcript NM_001365999.1 (MANE Select); coding-DNA positions 4610 to 4611, 2 bases deleted (TG; older notation c.4610_4611delTG).
Protein change: p.Val1537fs; shifts the reading frame from valine 1537.
Molecular consequence: frameshift variant.
Genome position (GRCh38, 1-based): chr1:43,430,625-43,430,626, TG deleted; deleting any 2 consecutive bases within chr1:43,430,623-43,430,626 gives the same sequence; the c. name uses the placement nearest the transcript's 3' end. VCF-style (leftmost placement, unchanged base first): chr1-43430622-CTG-C. GRCh37 (hg19) VCF-style: chr1-43896293-CTG-C.
Other names: c.4439_4440del, p.Val1480fs (NM_015284.4); short protein forms V1480fs, V1537fs.
Identifiers: ClinVar variation 2414038 (VCV002414038.6), dbSNP rs1180634449, ClinGen allele CA522806315.

ClinVar aggregate classification (germline): Pathogenic (1 of 4 stars; one submission).

Submission:

Labcorp Genetics (formerly Invitae), Labcorp
Classification: Pathogenic. Last evaluated: 2022-04-09. Review status: criteria provided, single submitter. Criteria: Invitae Variant Classification Sherloc (09022015). Collection method: clinical testing. Allele origin: germline.
Comment: For these reasons, this variant has been classified as Pathogenic. This sequence change creates a premature translational stop signal (p.Val1480Glufs*3) in the SZT2 gene. It is expected to result in an absent or disrupted protein product. Loss-of-function variants in SZT2 are known to be pathogenic (PMID: 23932106, 27248490, 28556953). This variant is present in population databases (no rsID available, gnomAD 0.006%). This variant has not been reported in the literature in individuals affected with SZT2-related conditions. Algorithms developed to predict the effect of sequence changes on RNA splicing suggest that this variant may create or strengthen a splice site.

Literature cited by the submitters: PubMed 23932106; PubMed 27248490; PubMed 28556953.